The following is an entry in ClinVar:

NM_001458.5(FLNC):c.2050G>T (p.Val684Leu)

Gene: FLNC (filamin C; plus strand). Cytogenetic location: 7q32.1.
Variant type: single nucleotide variant.
Coding change: c.2050G>T on transcript NM_001458.5 (MANE Select); coding-DNA position 2050, G replaced by T.
Protein change: p.Val684Leu; replaces valine 684 with leucine.
Molecular consequence: missense variant.
Genome position (GRCh38, 1-based): chr7:128,841,496, G>T. VCF-style: chr7-128841496-G-T. GRCh37 (hg19) VCF-style: chr7-128481550-G-T.
Other names: c.2050G>T, p.Val684Leu (NM_001127487.2); short protein forms V684L.
Identifiers: ClinVar variation 3221708 (VCV003221708.1), dbSNP rs769221710, ClinGen allele CA369227804.

ClinVar aggregate classification (germline): Uncertain significance (1 of 4 stars; one submission).

Conditions:
Cardiovascular phenotype. Identifiers: MedGen CN230736.

gnomAD v4.1: 4 of 1,614,150 alleles (0.00025%); highest among the groups gnomAD compares: Non-Finnish European, 0.00034%; no homozygotes.

Submission:

Ambry Genetics
Classification: Uncertain significance for Cardiovascular phenotype. Last evaluated: 2023-12-04. Review status: criteria provided, single submitter. Criteria: Ambry Variant Classification Scheme 2023. Collection method: clinical testing. Allele origin: germline.
Comment: The p.V684L variant (also known as c.2050G>T), located in coding exon 13 of the FLNC gene, results from a G to T substitution at nucleotide position 2050. The valine at codon 684 is replaced by leucine, an amino acid with highly similar properties. This alteration has been reported in a hypertrophic cardiomyopathy (HCM) cohort (Cui H et al. Mol Genet Genomic Med, 2018 Nov;6:1104-1113). This amino acid position is highly conserved in available vertebrate species. In addition, the in silico prediction for this alteration is inconclusive. Since supporting evidence is limited at this time, the clinical significance of this alteration remains unclear.

Literature cited by the submitters: PubMed 30411535.